The following is an entry in ClinVar:

NM_001100913.3(PACS2):c.79A>C (p.Thr27Pro)

Genes: BRF1 (BRF1 general transcription factor IIIB subunit; minus strand), PACS2 (phosphofurin acidic cluster sorting protein 2; plus strand), LOC130056677 (ATAC-STARR-seq lymphoblastoid silent region 6228; plus strand). Cytogenetic location: 14q32.33.
Variant type: single nucleotide variant.
Coding change: c.79A>C on transcript NM_001100913.3 (MANE Select); coding-DNA position 79, A replaced by C.
Protein change: p.Thr27Pro; replaces threonine 27 with proline.
Molecular consequence: missense variant. On other transcripts: intron variant (4).
Genome position (GRCh38, 1-based): chr14:105,314,997, A>C. VCF-style: chr14-105314997-A-C. GRCh37 (hg19) VCF-style: chr14-105781334-A-C.
Other names: c.79A>C, p.Thr27Pro (NM_015197.4); c.-162+325T>G (NM_001440451.1, NM_001242787.2, NM_001242786.2); c.-83+14018A>C (NM_001243127.3); short protein forms T27P.
Identifiers: ClinVar variation 4733807 (VCV004733807.1).

ClinVar aggregate classification (germline): Uncertain significance (1 of 4 stars; one submission).

Submission:

Labcorp Genetics (formerly Invitae), Labcorp
Classification: Uncertain significance. Last evaluated: 2025-12-21. Review status: criteria provided, single submitter. Criteria: Invitae Variant Classification Sherloc (09022015). Collection method: clinical testing. Allele origin: germline.
Comment: This sequence change replaces threonine, which is neutral and polar, with proline, which is neutral and non-polar, at codon 27 of the PACS2 protein (p.Thr27Pro). This variant is not present in population databases (gnomAD no frequency). This variant has not been reported in the literature in individuals affected with PACS2-related conditions. An algorithm developed to predict the effect of missense changes on protein structure and function (PolyPhen-2) suggests that this variant is likely to be disruptive. In summary, the available evidence is currently insufficient to determine the role of this variant in disease. Therefore, it has been classified as a Variant of Uncertain Significance.